The following is an entry in ClinVar:

NM_000687.4(AHCY):c.46G>C (p.Ala16Pro)

Gene: AHCY (adenosylhomocysteinase; minus strand). Cytogenetic location: 20q11.22.
Variant type: single nucleotide variant.
Coding change: c.46G>C on transcript NM_000687.4 (MANE Select); coding-DNA position 46, G replaced by C.
Protein change: p.Ala16Pro; replaces alanine 16 with proline.
Molecular consequence: missense variant. On other transcripts: 5 prime UTR variant (3).
Genome position (GRCh38, 1-based): chr20:34,295,568, C>G on the plus strand (G>C on the coding strand, the complement: AHCY is on the minus strand). VCF-style: chr20-34295568-C-G. GRCh37 (hg19) VCF-style: chr20-32883374-C-G.
Other names: c.-39G>C (NM_001161766.2, NM_001322084.2, NM_001322085.2); c.52G>C, p.Ala18Pro (NM_001322086.2); c.46G>C, p.Ala16Pro (NM_001362750.2); c.46G>C (NM_000687.2); short protein forms A18P, A16P.
Identifiers: ClinVar variation 2166431 (VCV002166431.4), dbSNP rs1441177582, ClinGen allele CA408661098.

ClinVar aggregate classification (germline): Uncertain significance. Review status: criteria provided, multiple submitters, no conflicts (2 of 4 stars). 2 submissions from 2 submitters: Uncertain significance (2). Last evaluated 2026-04-14.

Conditions:
Hypermethioninemia with deficiency of S-adenosylhomocysteine hydrolase. Identifiers: Orphanet 88618, MedGen C3151058, MONDO:0013404, OMIM 613752.
Inborn genetic diseases. Identifiers: MedGen C0950123, MeSH D030342.

gnomAD v4.1: 1 of 1,614,132 alleles (0.000062%); highest among the groups gnomAD compares: Admixed American, 0.0017%; no homozygotes.

Submissions (2):

Ambry Genetics
Classification: Uncertain significance for Inborn genetic diseases. Last evaluated: 2026-04-14. Review status: criteria provided, single submitter. Criteria: Ambry Variant Classification Scheme 2023. Collection method: clinical testing. Allele origin: germline.
Comment: The c.46G>C (p.A16P) alteration is located in exon 2 (coding exon 2) of the AHCY gene. This alteration results from a G to C substitution at nucleotide position 46, causing the alanine (A) at amino acid position 16 to be replaced by a proline (P). Based on data from gnomAD, the C allele has an overall frequency of <0.001% (1/249048) total alleles studied. The highest observed frequency was 0.003% (1/34542) of Latino alleles. Based on insufficient or conflicting evidence, the clinical significance of this alteration remains unclear.

Labcorp Genetics (formerly Invitae), Labcorp
Classification: Uncertain significance for Hypermethioninemia with deficiency of S-adenosylhomocysteine hydrolase. Last evaluated: 2022-05-18. Review status: criteria provided, single submitter. Criteria: Invitae Variant Classification Sherloc (09022015). Collection method: clinical testing. Allele origin: germline.
Comment: This variant has not been reported in the literature in individuals affected with AHCY-related conditions. This variant is present in population databases (no rsID available, gnomAD 0.003%). This sequence change replaces alanine, which is neutral and non-polar, with proline, which is neutral and non-polar, at codon 16 of the AHCY protein (p.Ala16Pro). Algorithms developed to predict the effect of missense changes on protein structure and function are either unavailable or do not agree on the potential impact of this missense change (SIFT: "Not Available"; PolyPhen-2: "Benign"; Align-GVGD: "Not Available"). In summary, the available evidence is currently insufficient to determine the role of this variant in disease. Therefore, it has been classified as a Variant of Uncertain Significance.